The following is an entry in ClinVar:

ClinVar aggregate classification (germline): Conflicting classifications of pathogenicity. Review status: criteria provided, conflicting classifications (1 of 4 stars). 2 submissions from 2 submitters: Uncertain significance (1); Likely benign (1). Last evaluated 2024-12-08.

Conditions:
Fanconi anemia (FA). Also called: Fanconi's anemia. Identifiers: Orphanet 84, MedGen C0015625, MeSH D005199, MONDO:0019391.

Allele frequency attached by ClinVar (database versions not stated): TOPMed below 0.00001; gnomAD 0.00001; gnomAD exomes 0.00001.
gnomAD v4.1: 13 of 1,614,110 alleles (0.00081%); highest among the groups gnomAD compares: Non-Finnish European, 0.00093%; no homozygotes.

Submissions (2):

Labcorp Genetics (formerly Invitae), Labcorp
Classification: Likely benign for Fanconi anemia. Last evaluated: 2024-12-08. Review status: criteria provided, single submitter. Criteria: Invitae Variant Classification Sherloc (09022015). Collection method: clinical testing. Allele origin: germline.

GeneDx
Classification: Uncertain significance. Last evaluated: 2023-12-23. Review status: criteria provided, single submitter. Criteria: GeneDx Variant Classification Process June 2021. Collection method: clinical testing. Allele origin: germline. Affected: yes.
Comment: In silico analysis supports that this variant does not alter splicing; Has not been previously published as pathogenic or benign to our knowledge

NM_001113378.2(FANCI):c.1593T>C (p.Asp531=)

Gene: FANCI (FA complementation group I; plus strand). Cytogenetic location: 15q26.1.
Variant type: single nucleotide variant.
Coding change: c.1593T>C on transcript NM_001113378.2 (MANE Select); coding-DNA position 1593, T replaced by C.
Protein change: p.Asp531=; no amino-acid change (aspartic acid 531 retained).
Molecular consequence: synonymous variant.
Genome position (GRCh38, 1-based): chr15:89,283,145, T>C. VCF-style: chr15-89283145-T-C. GRCh37 (hg19) VCF-style: chr15-89826376-T-C.
Other names: c.1314T>C, p.Asp438= (NM_001376910.1); c.1593T>C, p.Asp531= (NM_001376911.1, NM_018193.3).
Identifiers: ClinVar variation 3019535 (VCV003019535.4), dbSNP rs753512282, ClinGen allele CA492077006.